The following is an entry in ClinVar:

ClinVar aggregate classification (germline): Pathogenic/Likely pathogenic. Review status: criteria provided, multiple submitters, no conflicts (2 of 4 stars). 2 submissions from 2 submitters: Pathogenic (1); Likely pathogenic (1). Last evaluated 2025-05-13.

Conditions:
Cardiovascular phenotype. Identifiers: MedGen CN230736.

Submissions (2):

GeneDx
Classification: Likely pathogenic. Last evaluated: 2025-05-13. Review status: criteria provided, single submitter. Criteria: GeneDx Variant Classification Process June 2021. Collection method: clinical testing. Allele origin: germline. Affected: yes.
Comment: Frameshift variant predicted to result in protein truncation or nonsense mediated decay in a gene for which loss of function is a known mechanism of disease; Not observed at significant frequency in large population cohorts (gnomAD); Has not been previously published as pathogenic or benign to our knowledge

Molecular Diagnostic Laboratory for Inherited Cardiovascular Disease, Montreal Heart Institute
Classification: Pathogenic for Cardiovascular phenotype. Last evaluated: 2020-10-15. Review status: criteria provided, single submitter. Criteria: ACMG Guidelines, 2015. Collection method: clinical testing. Allele origin: germline. Affected: yes.

NM_004415.4(DSP):c.1054_1059delinsCA (p.Asp352fs)

Gene: DSP (desmoplakin; plus strand). Cytogenetic location: 6p24.3.
Variant type: Indel.
Coding change: c.1054_1059delinsCA on transcript NM_004415.4 (MANE Select); coding-DNA positions 1054 to 1059, GACACT replaced by CA.
Protein change: p.Asp352fs; shifts the reading frame from aspartic acid 352.
Molecular consequence: frameshift variant.
Genome position (GRCh38, 1-based): chr6:7,567,363-7,567,368, GACACT replaced by CA. VCF-style: chr6-7567363-GACACT-CA. GRCh37 (hg19) VCF-style: chr6-7567596-GACACT-CA.
Other names: c.1054_1059delGACACTinsCA (NM_004415.2, LRG_423t1); c.1054_1059delinsCA, p.Asp352fs (NM_001008844.3, NM_001319034.2); short protein forms D352fs.
Identifiers: ClinVar variation 418788 (VCV000418788.8), dbSNP rs1064793435, ClinGen allele CA16618315.